The following is an entry in ClinVar:

ClinVar aggregate classification (germline): Uncertain significance (1 of 4 stars; one submission).

Submission:

GeneDx
Classification: Uncertain significance. Last evaluated: 2019-11-20. Review status: criteria provided, single submitter. Criteria: GeneDx Variant Classification Process June 2021. Collection method: clinical testing. Allele origin: germline. Affected: yes.
Comment: Has not been previously published as pathogenic or benign to our knowledge; Not observed in large population cohorts (Lek et al., 2016); In silico analysis, which includes protein predictors and evolutionary conservation, supports a deleterious effect; Located in one of the three hot-spot regions of the RYR2 gene, where the majority of pathogenic missense variants occur (Medeiros-Domingo et al., 2009)

NM_001035.3(RYR2):c.12943G>A (p.Gly4315Arg)

Genes: RYR2 (ryanodine receptor 2; plus strand), LOC126806068 (BRD4-independent group 4 enhancer GRCh37_chr1:237947411-237948610; plus strand). Cytogenetic location: 1q43.
Variant type: single nucleotide variant.
Coding change: c.12943G>A on transcript NM_001035.3 (MANE Select); coding-DNA position 12943, G replaced by A.
Protein change: p.Gly4315Arg; replaces glycine 4315 with arginine.
Molecular consequence: missense variant.
Genome position (GRCh38, 1-based): chr1:237,784,655, G>A. VCF-style: chr1-237784655-G-A. GRCh37 (hg19) VCF-style: chr1-237947955-G-A.
Other names: short protein forms G4315R.
Identifiers: ClinVar variation 1315979 (VCV001315979.2), dbSNP rs2149355847, ClinGen allele CA345414783.